The following is an entry in ClinVar:

NM_001082486.2(ACD):c.797T>A (p.Ile266Lys)

Gene: ACD (ACD shelterin complex subunit and telomerase recruitment factor; minus strand). Cytogenetic location: 16q22.1.
Variant type: single nucleotide variant.
Coding change: c.797T>A on transcript NM_001082486.2 (MANE Select); coding-DNA position 797, T replaced by A.
Protein change: p.Ile266Lys; replaces isoleucine 266 with lysine.
Molecular consequence: missense variant. On other transcripts: intron variant (1).
Genome position (GRCh38, 1-based): chr16:67,658,587, A>T on the plus strand (T>A on the coding strand, the complement: ACD is on the minus strand). VCF-style: chr16-67658587-A-T. GRCh37 (hg19) VCF-style: chr16-67692490-A-T.
Other names: c.788T>A, p.Ile263Lys (NM_022914.3); c.742+133T>A (NM_001410884.1); short protein forms I266K, I263K.
Identifiers: ClinVar variation 2562321 (VCV002562321.2), dbSNP rs762991329, ClinGen allele CA396353213.

ClinVar aggregate classification (germline): Uncertain significance (1 of 4 stars; one submission).

Conditions:
Inborn genetic diseases. Identifiers: MedGen C0950123, MeSH D030342.

Submission:

Ambry Genetics
Classification: Uncertain significance for Inborn genetic diseases. Last evaluated: 2023-06-09. Review status: criteria provided, single submitter. Criteria: Ambry Variant Classification Scheme 2023. Collection method: clinical testing. Allele origin: germline.
Comment: The p.I352K variant (also known as c.1055T>A), located in coding exon 9 of the ACD gene, results from a T to A substitution at nucleotide position 1055. The isoleucine at codon 352 is replaced by lysine, an amino acid with dissimilar properties. This amino acid position is conserved. In addition, this alteration is predicted to be tolerated by in silico analysis. Since supporting evidence is limited at this time, the clinical significance of this alteration remains unclear.